The following is an entry in ClinVar:

ClinVar aggregate classification (germline): Uncertain significance. Review status: criteria provided, multiple submitters, no conflicts (2 of 4 stars). 4 submissions from 4 submitters: Uncertain significance (3). 1 of the submissions does not count toward it. Last evaluated 2026-08-04.

Conditions:
Cystic fibrosis (CF). Also called: MUCOVISCIDOSIS. Identifiers: Orphanet 586, MedGen C0010674, MONDO:0009061, OMIM 219700. Disease mechanism: loss of function.

Allele frequency attached by ClinVar (database versions not stated): gnomAD exomes 0.00001; ExAC 0.00002.
gnomAD v4.1: 4 of 1,613,416 alleles (0.00025%); highest among the groups gnomAD compares: Non-Finnish European, 0.00034%; no homozygotes.

Submissions (4):

Ambry Genetics
Classification: Uncertain significance for Cystic fibrosis. Last evaluated: 2026-08-04. Review status: criteria provided, single submitter. Criteria: Ambry Variant Classification Scheme 2023. Collection method: clinical testing. Allele origin: germline.
Comment: The p.Y515H variant (also known as c.1543T>C), located in coding exon 11 of the CFTR gene, results from a T to C substitution at nucleotide position 1543. The tyrosine at codon 515 is replaced by histidine, an amino acid with similar properties. This amino acid position is well conserved in available vertebrate species. In addition, this alteration is predicted to be deleterious by in silico analysis. Based on the available evidence, the clinical significance of this variant remains unclear.

Women's Health and Genetics/Laboratory Corporation of America, LabCorp
Classification: Uncertain significance. Last evaluated: 2024-03-11. Review status: criteria provided, single submitter. Criteria: LabCorp Variant Classification Summary - May 2015. Collection method: clinical testing. Allele origin: germline.
Comment: Variant summary: CFTR c.1543T>C (p.Tyr515His) results in a conservative amino acid change located in the ABC transporter-like, ATP-binding domain (IPR003439) of the encoded protein sequence. Three of four in-silico tools predict a damaging effect of the variant on protein function. The variant allele was found at a frequency of 8e-06 in 251206 control chromosomes (gnomAD). The available data on variant occurrences in the general population are insufficient to allow any conclusion about variant significance. To our knowledge, no occurrence of c.1543T>C in individuals affected with Cystic Fibrosis and no experimental evidence demonstrating its impact on protein function have been reported. ClinVar contains an entry for this variant (Variation ID: 550738). Based on the evidence outlined above, the variant was classified as uncertain significance.

Labcorp Genetics (formerly Invitae), Labcorp
Classification: Uncertain significance for Cystic fibrosis. Last evaluated: 2024-02-09. Review status: criteria provided, single submitter. Criteria: Invitae Variant Classification Sherloc (09022015). Collection method: clinical testing. Allele origin: germline.
Comment: This sequence change replaces tyrosine, which is neutral and polar, with histidine, which is basic and polar, at codon 515 of the CFTR protein (p.Tyr515His). This variant is present in population databases (rs778175128, gnomAD 0.002%). This variant has not been reported in the literature in individuals affected with CFTR-related conditions. ClinVar contains an entry for this variant (Variation ID: 550738). Advanced modeling of protein sequence and biophysical properties (such as structural, functional, and spatial information, amino acid conservation, physicochemical variation, residue mobility, and thermodynamic stability) has been performed at Invitae for this missense variant, however the output from this modeling did not meet the statistical confidence thresholds required to predict the impact of this variant on CFTR protein function. In summary, the available evidence is currently insufficient to determine the role of this variant in disease. Therefore, it has been classified as a Variant of Uncertain Significance.

Counsyl
Classification: Uncertain significance for Cystic fibrosis. Last evaluated: 2017-02-10. Review status: no assertion criteria provided. Collection method: clinical testing. Allele origin: unknown. Not counted in ClinVar's aggregate classification.

NM_000492.4(CFTR):c.1543T>C (p.Tyr515His)

Genes: CFTR (CF transmembrane conductance regulator; plus strand), CFTR-AS1 (CFTR antisense RNA 1; minus strand). Cytogenetic location: 7q31.2.
Variant type: single nucleotide variant.
Coding change: c.1543T>C on transcript NM_000492.4 (MANE Select); coding-DNA position 1543, T replaced by C.
Protein change: p.Tyr515His; replaces tyrosine 515 with histidine.
Molecular consequence: missense variant.
Genome position (GRCh38, 1-based): chr7:117,559,614, T>C. VCF-style: chr7-117559614-T-C. GRCh37 (hg19) VCF-style: chr7-117199668-T-C.
Other names: short protein forms Y515H.
Identifiers: ClinVar variation 550738 (VCV000550738.7), dbSNP rs778175128, ClinGen allele CA4451019.